The following is an entry in ClinVar:

ClinVar aggregate classification (germline): Uncertain significance (1 of 4 stars; one submission).

gnomAD v4.1: 5 of 1,613,104 alleles (0.00031%); highest among the groups gnomAD compares: Non-Finnish European, 0.00034%; no homozygotes.

Submission:

Labcorp Genetics (formerly Invitae), Labcorp
Classification: Uncertain significance. Last evaluated: 2025-08-22. Review status: criteria provided, single submitter. Criteria: Invitae Variant Classification Sherloc (09022015). Collection method: clinical testing. Allele origin: germline.
Comment: This sequence change replaces valine, which is neutral and non-polar, with glutamic acid, which is acidic and polar, at codon 107 of the AAAS protein (p.Val107Glu). This variant is not present in population databases (gnomAD no frequency). This variant has not been reported in the literature in individuals affected with AAAS-related conditions. Invitae Evidence Modeling of protein sequence and biophysical properties (such as structural, functional, and spatial information, amino acid conservation, physicochemical variation, residue mobility, and thermodynamic stability) indicates that this missense variant is not expected to disrupt AAAS protein function with a negative predictive value of 80%. In summary, the available evidence is currently insufficient to determine the role of this variant in disease. Therefore, it has been classified as a Variant of Uncertain Significance.

NM_015665.6(AAAS):c.320T>A (p.Val107Glu)

Gene: AAAS (aladin WD repeat nucleoporin; minus strand). Cytogenetic location: 12q13.13.
Variant type: single nucleotide variant.
Coding change: c.320T>A on transcript NM_015665.6 (MANE Select); coding-DNA position 320, T replaced by A.
Protein change: p.Val107Glu; replaces valine 107 with glutamic acid.
Molecular consequence: missense variant.
Genome position (GRCh38, 1-based): chr12:53,315,414, A>T on the plus strand (T>A on the coding strand, the complement: AAAS is on the minus strand). VCF-style: chr12-53315414-A-T. GRCh37 (hg19) VCF-style: chr12-53709198-A-T.
Other names: c.320T>A, p.Val107Glu (NM_001173466.2); short protein forms V107E.
Identifiers: ClinVar variation 4772124 (VCV004772124.1).